The following is an entry in ClinVar:

NM_001378183.1(PIEZO2):c.4154A>G (p.Lys1385Arg)

Gene: PIEZO2 (piezo type mechanosensitive ion channel component 2; minus strand). Cytogenetic location: 18p11.22.
Variant type: single nucleotide variant.
Coding change: c.4154A>G on transcript NM_001378183.1 (MANE Select); coding-DNA position 4154, A replaced by G.
Protein change: p.Lys1385Arg; replaces lysine 1385 with arginine.
Molecular consequence: missense variant.
Genome position (GRCh38, 1-based): chr18:10,752,649, T>C on the plus strand (A>G on the coding strand, the complement: PIEZO2 is on the minus strand). VCF-style: chr18-10752649-T-C. GRCh37 (hg19) VCF-style: chr18-10752647-T-C.
Other names: c.4154A>G, p.Lys1385Arg (NM_001410871.1); c.4079A>G, p.Lys1360Arg (NM_022068.4); short protein forms K1360R, K1385R.
Identifiers: ClinVar variation 4532726 (VCV004532726.1).

ClinVar aggregate classification (germline): Uncertain significance (1 of 4 stars; one submission).

Submission:

GeneDx
Classification: Uncertain significance. Last evaluated: 2025-05-29. Review status: criteria provided, single submitter. Criteria: GeneDx Variant Classification Process June 2021. Collection method: clinical testing. Allele origin: germline. Affected: yes.
Comment: Not observed at significant frequency in large population cohorts (gnomAD); In silico analysis supports that this missense variant has a deleterious effect on protein structure/function; Has not been previously published as pathogenic or benign to our knowledge